The following is an entry in ClinVar:

ClinVar aggregate classification (germline): Likely benign. Review status: criteria provided, multiple submitters, no conflicts (2 of 4 stars). 2 submissions from 2 submitters: Likely benign (2). Last evaluated 2025-08-12.

Conditions:
Melanoma-pancreatic cancer syndrome. Identifiers: Orphanet 404560, MedGen C1838547, MONDO:0011713, OMIM 606719. Disease mechanism: loss of function.
Familial melanoma. Also called: Hereditary melanoma; Hereditary cutaneous melanoma. Identifiers: Orphanet 618, MedGen C1512419, MONDO:0018961.

Allele frequency attached by ClinVar (database versions not stated): gnomAD 0.00001.
gnomAD v4.1: 1 of 1,600,044 alleles (0.000062%); no homozygotes.

Submissions (2):

Myriad Genetics, Inc.
Classification: Likely benign for Melanoma-pancreatic cancer syndrome. Last evaluated: 2025-08-12. Review status: criteria provided, single submitter. Criteria: Myriad Autosomal Dominant, Autosomal Recessive and X-Linked Classification Criteria (2023). Collection method: clinical testing. Allele origin: unknown.
Comment: This variant is considered likely benign. This variant is intronic and is not expected to impact mRNA splicing.

Labcorp Genetics (formerly Invitae), Labcorp
Classification: Likely benign for Familial melanoma. Last evaluated: 2021-11-14. Review status: criteria provided, single submitter. Criteria: Invitae Variant Classification Sherloc (09022015). Collection method: clinical testing. Allele origin: germline.

NM_058195.4(CDKN2A):c.193+9G>A

Gene: CDKN2A (cyclin dependent kinase inhibitor 2A; minus strand). Cytogenetic location: 9p21.3.
Variant type: single nucleotide variant.
Coding change: c.193+9G>A on transcript NM_058195.4 (MANE Plus Clinical); 9 bases into the intron after coding-DNA position 193, G replaced by A.
Molecular consequence: intron variant.
Genome position (GRCh38, 1-based): chr9:21,994,130, C>T on the plus strand (G>A on the coding strand, the complement: CDKN2A is on the minus strand). VCF-style: chr9-21994130-C-T. GRCh37 (hg19) VCF-style: chr9-21994129-C-T.
Other names: c.-4+691G>A (NM_001363763.2).
Identifiers: ClinVar variation 1613486 (VCV001613486.5), dbSNP rs965897956, ClinGen allele CA1122166866.